The following is an entry in ClinVar:

ClinVar aggregate classification (germline): Uncertain significance (1 of 4 stars; one submission).

Conditions:
Familial cold autoinflammatory syndrome 2 (FCAS2). Identifiers: Orphanet 247868, MedGen C2673198, MONDO:0012724, OMIM 611762.

Allele frequency attached by ClinVar (database versions not stated): TOPMed 0.00002.
gnomAD v4.1: 3 of 1,614,036 alleles (0.00019%); highest among the groups gnomAD compares: Non-Finnish European, 0.000085%; no homozygotes.

Submission:

Labcorp Genetics (formerly Invitae), Labcorp
Classification: Uncertain significance for Familial cold autoinflammatory syndrome 2. Last evaluated: 2025-04-29. Review status: criteria provided, single submitter. Criteria: Invitae Variant Classification Sherloc (09022015). Collection method: clinical testing. Allele origin: germline.
Comment: This sequence change replaces threonine, which is neutral and polar, with serine, which is neutral and polar, at codon 158 of the NLRP12 protein (p.Thr158Ser). This variant is present in population databases (rs760404956, gnomAD 0.0009%). This variant has not been reported in the literature in individuals affected with NLRP12-related conditions. ClinVar contains an entry for this variant (Variation ID: 1448915). An algorithm developed to predict the effect of missense changes on protein structure and function (PolyPhen-2) suggests that this variant is likely to be disruptive. In summary, the available evidence is currently insufficient to determine the role of this variant in disease. Therefore, it has been classified as a Variant of Uncertain Significance.

NM_144687.4(NLRP12):c.473C>G (p.Thr158Ser)

Gene: NLRP12 (NLR family pyrin domain containing 12; minus strand). Cytogenetic location: 19q13.42.
Variant type: single nucleotide variant.
Coding change: c.473C>G on transcript NM_144687.4 (MANE Select); coding-DNA position 473, C replaced by G.
Protein change: p.Thr158Ser; replaces threonine 158 with serine.
Molecular consequence: missense variant.
Genome position (GRCh38, 1-based): chr19:53,811,186, G>C on the plus strand (C>G on the coding strand, the complement: NLRP12 is on the minus strand). VCF-style: chr19-53811186-G-C. GRCh37 (hg19) VCF-style: chr19-54314440-G-C.
Other names: c.473C>G, p.Thr158Ser (NM_001277126.2, NM_001277129.1); short protein forms T158S.
Identifiers: ClinVar variation 1448915 (VCV001448915.6), dbSNP rs760404956, ClinGen allele CA9639694.
Genomic context (GRCh38, chr19:53,811,186, plus strand): 5'-TCCAGAAGCTGCTGCTGGACCTGCATGGGGTTTGAGTGCTCCTTCACCAGCAGGAGCCGG[G>C]TGTACCGGTGGCTGAGGTTGACACATTCCCCTAGGCGCGCATTGCGGTCTTCCATGAGCC-3'
Protein context (NP_653288.1, residues 148-168): GECVNLSHRY[Thr158Ser]RLLLVKEHSN